The following is an entry in ClinVar:

ClinVar aggregate classification (germline): Uncertain significance. Review status: criteria provided, multiple submitters, no conflicts (2 of 4 stars). 3 submissions from 3 submitters: Uncertain significance (2). 1 of the submissions does not count toward it. Last evaluated 2024-01-11.

Conditions:
Inborn genetic diseases. Identifiers: MedGen C0950123, MeSH D030342.
Peroxisome biogenesis disorder 5A (Zellweger) (PBD5A). Identifiers: Orphanet 912, MedGen C3553940, MONDO:0013932, OMIM 614866.
Zellweger spectrum disorders (ZS). Also called: Zellweger syndrome; Zellweger Spectrum Disorder; Zellweger Spectrum; Zellweger Spectrum Disorder (ZSD). Identifiers: Orphanet 912, MedGen C0043459, MONDO:0019609.

Allele frequency attached by ClinVar (database versions not stated): TOPMed 0.00002; gnomAD 0.00003; gnomAD exomes 0.00005; ExAC 0.00007.
gnomAD v4.1: 105 of 1,614,040 alleles (0.0065%); highest among the groups gnomAD compares: Non-Finnish European, 0.0079%; no homozygotes.

Submissions (3):

Labcorp Genetics (formerly Invitae), Labcorp
Classification: Uncertain significance for Peroxisome biogenesis disorder 5A (Zellweger). Last evaluated: 2024-01-11. Review status: criteria provided, single submitter. Criteria: Invitae Variant Classification Sherloc (09022015). Collection method: clinical testing. Allele origin: germline.
Comment: This sequence change replaces arginine, which is basic and polar, with glutamine, which is neutral and polar, at codon 125 of the PEX2 protein (p.Arg125Gln). This variant is present in population databases (rs199845625, gnomAD 0.009%). This variant has not been reported in the literature in individuals affected with PEX2-related conditions. ClinVar contains an entry for this variant (Variation ID: 860482). Advanced modeling of protein sequence and biophysical properties (such as structural, functional, and spatial information, amino acid conservation, physicochemical variation, residue mobility, and thermodynamic stability) performed at Invitae indicates that this missense variant is not expected to disrupt PEX2 protein function with a negative predictive value of 80%. In summary, the available evidence is currently insufficient to determine the role of this variant in disease. Therefore, it has been classified as a Variant of Uncertain Significance.

Ambry Genetics
Classification: Uncertain significance for Inborn genetic diseases. Last evaluated: 2023-07-12. Review status: criteria provided, single submitter. Criteria: Ambry Variant Classification Scheme 2023. Collection method: clinical testing. Allele origin: germline.

Natera, Inc.
Classification: Uncertain significance for Zellweger syndrome. Last evaluated: 2020-02-21. Review status: no assertion criteria provided. Collection method: clinical testing. Allele origin: germline. Not counted in ClinVar's aggregate classification.

NM_000318.3(PEX2):c.374G>A (p.Arg125Gln)

Gene: PEX2 (peroxisomal biogenesis factor 2; minus strand). Cytogenetic location: 8q21.13.
Variant type: single nucleotide variant.
Coding change: c.374G>A on transcript NM_000318.3 (MANE Select); coding-DNA position 374, G replaced by A.
Protein change: p.Arg125Gln; replaces arginine 125 with glutamine.
Molecular consequence: missense variant.
Genome position (GRCh38, 1-based): chr8:76,983,805, C>T on the plus strand (G>A on the coding strand, the complement: PEX2 is on the minus strand). VCF-style: chr8-76983805-C-T. GRCh37 (hg19) VCF-style: chr8-77896041-C-T.
Other names: c.374G>A, p.Arg125Gln (NM_001079867.2, NM_001172086.2, NM_001172087.2); short protein forms R125Q.
Identifiers: ClinVar variation 860482 (VCV000860482.7), dbSNP rs199845625, ClinGen allele CA4788718.